The following is an entry in ClinVar:

ClinVar aggregate classification (germline): Pathogenic. Review status: criteria provided, single submitter (1 of 4 stars). 2 submissions from 2 submitters: Pathogenic (1). 1 of the submissions does not count toward it. Last evaluated 2024-05-01.

Conditions:
Chromosome 2q37 deletion syndrome (BDMR). Also called: 2q37 microdeletion syndrome; Deletion 2q37; ALBRIGHT HEREDITARY OSTEODYSTROPHY-LIKE SYNDROME; Chromosome 2, monosomy 2q37; Monosomy 2q37. Identifiers: Orphanet 1001, MedGen C2931817, MONDO:0010886, OMIM 600430.

Submissions (2):

GeneDx
Classification: Pathogenic. Last evaluated: 2024-05-01. Review status: criteria provided, single submitter. Criteria: GeneDx Variant Classification Process June 2021. Collection method: clinical testing. Allele origin: germline. Affected: yes.
Comment: Identified in a patient with HDAC4-related brachydactyly and neurodevelopmental spectrum disorder (PMID: 20691407); Frameshift variant predicted to result in protein truncation or nonsense mediated decay in a gene for which loss of function is a known mechanism of disease; Not observed at significant frequency in large population cohorts (gnomAD); This variant is associated with the following publications: (PMID: 20691407)

OMIM
Classification: Uncertain significance for RECLASSIFIED - VARIANT OF UNKNOWN SIGNIFICANCE. Last evaluated: 2014-07-01. Review status: no assertion criteria provided. Collection method: literature only. Allele origin: germline. Not counted in ClinVar's aggregate classification.

Literature cited by the submitters: PubMed 23188045 (cited by OMIM); PubMed 24715439 (cited by OMIM); PubMed 20691407 (cited by OMIM).

NM_001378414.1(HDAC4):c.2414dup (p.Gly806fs)

Gene: HDAC4 (histone deacetylase 4; minus strand). Cytogenetic location: 2q37.3.
Variant type: Duplication.
Coding change: c.2414dup on transcript NM_001378414.1 (MANE Select); coding-DNA position 2414, one base duplicated (C; older notation c.2414dupC).
Protein change: p.Gly806fs; shifts the reading frame from glycine 806.
Molecular consequence: frameshift variant.
Genome position (GRCh38, 1-based): chr2:239,087,589, G duplicated on the plus strand (C on the coding strand, the reverse complement: HDAC4 is on the minus strand); the first of 6 consecutive G bases (chr2:239,087,589-239,087,594); duplicating any one gives the same sequence. VCF-style (leftmost placement, unchanged base first): chr2-239087588-A-AG. GRCh37 (hg19) VCF-style: chr2-240009284-A-AG.
Other names: c.2399dupC (NM_006037.3); c.2414dup, p.Gly806fs (NM_001378415.1); c.2399dup, p.Gly801fs (NM_001378416.1, NM_001378417.1, NM_006037.4); short protein forms G801fs, G806fs.
Identifiers: ClinVar variation 5069 (VCV000005069.4), dbSNP rs748900140, ClinGen allele CA913187425.